The following is an entry in ClinVar:

NM_019066.5(MAGEL2):c.475A>G (p.Met159Val)

Gene: MAGEL2 (MAGE family member L2; minus strand). Cytogenetic location: 15q11.2.
Variant type: single nucleotide variant.
Coding change: c.475A>G on transcript NM_019066.5 (MANE Select); coding-DNA position 475, A replaced by G.
Protein change: p.Met159Val; replaces methionine 159 with valine.
Molecular consequence: missense variant.
Genome position (GRCh38, 1-based): chr15:23,647,268, T>C on the plus strand (A>G on the coding strand, the complement: MAGEL2 is on the minus strand). VCF-style: chr15-23647268-T-C. GRCh37 (hg19) VCF-style: chr15-23892415-T-C.
Other names: c.475A>G (NM_019066.4); short protein forms M159V.
Identifiers: ClinVar variation 2170850 (VCV002170850.7), dbSNP rs899128423, ClinGen allele CA267661516.

ClinVar aggregate classification (germline): Conflicting classifications of pathogenicity. Review status: criteria provided, conflicting classifications (1 of 4 stars). 3 submissions from 3 submitters: Uncertain significance (1); Likely benign (1). 1 of the submissions does not count toward it. Last evaluated 2026-01-12.

Conditions:
MAGEL2-related disorder. Also called: MAGEL2-related condition.
Inborn genetic diseases. Identifiers: MedGen C0950123, MeSH D030342.

Allele frequency attached by ClinVar (database versions not stated): gnomAD 0.00001; TOPMed 0.00002.

Submissions (3):

Labcorp Genetics (formerly Invitae), Labcorp
Classification: Uncertain significance. Last evaluated: 2026-01-12. Review status: criteria provided, single submitter. Criteria: Invitae Variant Classification Sherloc (09022015). Collection method: clinical testing. Allele origin: germline.
Comment: This sequence change replaces methionine, which is neutral and non-polar, with valine, which is neutral and non-polar, at codon 159 of the MAGEL2 protein (p.Met159Val). This variant is present in population databases (no rsID available, gnomAD 0.01%). This variant has not been reported in the literature in individuals affected with MAGEL2-related conditions. ClinVar contains an entry for this variant (Variation ID: 2170850). Experimental studies and prediction algorithms are not available or were not evaluated, and the functional significance of this variant is currently unknown. In summary, the available evidence is currently insufficient to determine the role of this variant in disease. Therefore, it has been classified as a Variant of Uncertain Significance.

Ambry Genetics
Classification: Likely benign for Inborn genetic diseases. Last evaluated: 2023-04-27. Review status: criteria provided, single submitter. Criteria: Ambry Variant Classification Scheme 2023. Collection method: clinical testing. Allele origin: germline.

PreventionGenetics, part of Exact Sciences
Classification: Uncertain significance for MAGEL2-related condition. Last evaluated: 2024-08-27. Review status: no assertion criteria provided. Collection method: clinical testing. Allele origin: germline. Not counted in ClinVar's aggregate classification.
Comment: The MAGEL2 c.475A>G variant is predicted to result in the amino acid substitution p.Met159Val. To our knowledge, this variant has not been reported in the literature. This variant is reported in 0.012% of alleles in individuals of Ashkenazi Jewish descent in gnomAD. At this time, the clinical significance of this variant is uncertain due to the absence of conclusive functional and genetic evidence.